The following is an entry in ClinVar:

ClinVar aggregate classification (germline): Benign. Review status: criteria provided, multiple submitters, no conflicts (2 of 4 stars). 5 submissions from 5 submitters: Benign (5). Last evaluated 2026-02-02.

Conditions:
Congenital disorder of glycosylation, type Ii. Also called: CDG Ii; ALG2-congenital disorder of glycosylation; ALG2-CDG. Identifiers: Orphanet 79326, MedGen C1842836, MONDO:0011933, OMIM 607906.
Congenital myasthenic syndrome 14. Also called: Myasthenic syndrome, congenital, 14, with tubular aggregates. Identifiers: Orphanet 353327, Orphanet 590, MedGen C4015597, MONDO:0014543, OMIM 616228.

Allele frequency attached by ClinVar (database versions not stated): 1000 Genomes Project 0.00879; gnomAD exomes 0.01758; 1000 Genomes Project 30x 0.00734; ExAC 0.02020; TOPMed 0.01225; ESP Exome Variant Server 0.01515; gnomAD 0.01795 and 0.01831.

Submissions (5):

Labcorp Genetics (formerly Invitae), Labcorp
Classification: Benign for Congenital disorder of glycosylation, type Ii; Congenital myasthenic syndrome 14. Last evaluated: 2026-02-02. Review status: criteria provided, single submitter. Criteria: Invitae Variant Classification Sherloc (09022015). Collection method: clinical testing. Allele origin: germline.

Mayo Clinic Laboratories, Mayo Clinic
Classification: Benign. Last evaluated: 2019-08-01. Review status: criteria provided, single submitter. Criteria: ACMG Guidelines, 2015. Collection method: clinical testing. Allele origin: germline. Observed: 17 variant alleles.

GeneDx
Classification: Benign. Last evaluated: 2016-02-17. Review status: criteria provided, single submitter. Criteria: GeneDx Variant Classification (06012015). Collection method: clinical testing. Allele origin: germline. Affected: yes.
Comment: This variant is considered likely benign or benign based on one or more of the following criteria: it is a conservative change, it occurs at a poorly conserved position in the protein, it is predicted to be benign by multiple in silico algorithms, and/or has population frequency not consistent with disease.

Breakthrough Genomics
Classification: Benign. Review status: criteria provided, single submitter. Criteria: ACMG Guidelines, 2015. Collection method: not provided. Allele origin: germline. Inheritance: Autosomal recessive inheritance. Affected: yes.

PreventionGenetics, part of Exact Sciences
Classification: Benign. Review status: criteria provided, single submitter. Criteria: ACMG Guidelines, 2015. Collection method: clinical testing. Allele origin: germline.

NM_033087.4(ALG2):c.129C>G (p.Arg43=)

Gene: ALG2 (ALG2 alpha-1,3/1,6-mannosyltransferase; minus strand). Cytogenetic location: 9q22.33.
Variant type: single nucleotide variant.
Coding change: c.129C>G on transcript NM_033087.4 (MANE Select); coding-DNA position 129, C replaced by G.
Protein change: p.Arg43=; no amino-acid change (arginine 43 retained).
Molecular consequence: synonymous variant. On other transcripts: non-coding transcript variant (1).
Genome position (GRCh38, 1-based): chr9:99,221,766, G>C on the plus strand (C>G on the coding strand, the complement: ALG2 is on the minus strand). VCF-style: chr9-99221766-G-C. GRCh37 (hg19) VCF-style: chr9-101984048-G-C.
Other names: p.Arg43=.
Identifiers: ClinVar variation 262208 (VCV000262208.13), dbSNP rs35055733, ClinGen allele CA5156478.